The following is an entry in ClinVar:

ClinVar aggregate classification (germline): Uncertain significance. Review status: criteria provided, single submitter (1 of 4 stars). 2 submissions from 2 submitters: Uncertain significance (1). 1 of the submissions does not count toward it. Last evaluated 2021-12-27.

Conditions:
Familial Mediterranean fever (FMF). Also called: POLYSEROSITIS, FAMILIAL PAROXYSMAL; POLYSEROSITIS, RECURRENT; Periodic peritonitis; Benign paroxysmal peritonitis. Identifiers: Orphanet 342, MedGen C0031069, MONDO:0018088, OMIM 249100. Disease mechanism: gain of function.

Allele frequency attached by ClinVar (database versions not stated): gnomAD exomes below 0.00001.
gnomAD v4.1: 2 of 1,612,878 alleles (0.00012%); highest among the groups gnomAD compares: Non-Finnish European, 0.00017%; no homozygotes.

Submissions (2):

Labcorp Genetics (formerly Invitae), Labcorp
Classification: Uncertain significance for Familial Mediterranean fever. Last evaluated: 2021-12-27. Review status: criteria provided, single submitter. Criteria: Invitae Variant Classification Sherloc (09022015). Collection method: clinical testing. Allele origin: germline.
Comment: This sequence change replaces glycine, which is neutral and non-polar, with arginine, which is basic and polar, at codon 340 of the MEFV protein (p.Gly340Arg). This variant is not present in population databases (gnomAD no frequency). This missense change has been observed in individual(s) with Familial Mediterranean fever (FMF) (PMID: 21413889). ClinVar contains an entry for this variant (Variation ID: 1020086). Algorithms developed to predict the effect of missense changes on protein structure and function output the following: SIFT: "Tolerated"; PolyPhen-2: "Benign"; Align-GVGD: "Class C0". The arginine amino acid residue is found in multiple mammalian species, which suggests that this missense change does not adversely affect protein function. In summary, the available evidence is currently insufficient to determine the role of this variant in disease. Therefore, it has been classified as a Variant of Uncertain Significance.

Natera, Inc.
Classification: Uncertain significance for Familial Mediterranean fever. Last evaluated: 2021-05-18. Review status: no assertion criteria provided. Collection method: clinical testing. Allele origin: germline. Not counted in ClinVar's aggregate classification.

Literature cited by the submitters: PubMed 21413889 (cited by Labcorp Genetics (formerly Invitae), Labcorp).

NM_000243.3(MEFV):c.1018G>C (p.Gly340Arg)

Gene: MEFV (MEFV innate immunity regulator, pyrin; minus strand). Cytogenetic location: 16p13.3.
Variant type: single nucleotide variant.
Coding change: c.1018G>C on transcript NM_000243.3 (MANE Select); coding-DNA position 1018, G replaced by C.
Protein change: p.Gly340Arg; replaces glycine 340 with arginine.
Molecular consequence: missense variant.
Genome position (GRCh38, 1-based): chr16:3,249,673, C>G on the plus strand (G>C on the coding strand, the complement: MEFV is on the minus strand). VCF-style: chr16-3249673-C-G. GRCh37 (hg19) VCF-style: chr16-3299673-C-G.
Other names: c.385G>C, p.Gly129Arg (NM_001198536.2); short protein forms G129R, G340R.
Identifiers: ClinVar variation 1020086 (VCV001020086.10), dbSNP rs1959002154, ClinGen allele CA394471066.
Genomic context (GRCh38, chr16:3,249,673, plus strand): 5'-CATGGGAGTCCTGGCACCGGGGGCAGCCAGGTGAGCGGCTGCCTGAGGCCTGGGGGTGCC[C>G]AGAAACTGCCTCGGGGAAGCTGCAGGAATCACGCACACAGGTACCGTCAACTGGGTCTCC-3'
Protein context (NP_000234.1, residues 330-350): DSCSFPEAVS[Gly340Arg]HPQASGSRSP